The following is an entry in ClinVar:

ClinVar aggregate classification (germline): Uncertain significance (1 of 4 stars; one submission).

Conditions:
Anauxetic dysplasia. Identifiers: Orphanet 93347, MedGen C1846796, MONDO:0011773.

Allele frequency attached by ClinVar (database versions not stated): gnomAD 0.00008; ExAC 0.00009; TOPMed 0.00009.
gnomAD v4.1: 25 of 693,288 alleles (0.0036%); highest among the groups gnomAD compares: Middle Eastern, 0.037%; no homozygotes.

Submission:

Labcorp Genetics (formerly Invitae), Labcorp
Classification: Uncertain significance for Anauxetic dysplasia. Last evaluated: 2025-04-22. Review status: criteria provided, single submitter. Criteria: Invitae Variant Classification Sherloc (09022015). Collection method: clinical testing. Allele origin: germline.
Comment: This variant occurs in the RMRP gene, which encodes an RNA molecule that does not result in a protein product. This variant is present in population databases (rs756285919, gnomAD 0.03%). This variant has not been reported in the literature in individuals affected with RMRP-related conditions. ClinVar contains an entry for this variant (Variation ID: 2158372). Experimental studies and prediction algorithms are not available or were not evaluated, and the functional significance of this variant is currently unknown. In summary, the available evidence is currently insufficient to determine the role of this variant in disease. Therefore, it has been classified as a Variant of Uncertain Significance.

NC_000009.12:g.35657869T>C

Gene: RMRP (RNA component of mitochondrial RNA processing endoribonuclease; minus strand). Cytogenetic location: 9p13.3.
Variant type: single nucleotide variant.
Genome position: GRCh38 VCF-style: chr9-35657869-T-C. GRCh37 (hg19) VCF-style: chr9-35657866-T-C.
Identifiers: ClinVar variation 2158372 (VCV002158372.2), dbSNP rs756285919, ClinGen allele CA5045833.